The following is an entry in ClinVar:

NM_138615.3(DHX30):c.1281C>T (p.Val427=)

Gene: DHX30 (DExH-box helicase 30; plus strand). Cytogenetic location: 3p21.31.
Variant type: single nucleotide variant.
Coding change: c.1281C>T on transcript NM_138615.3 (MANE Select); coding-DNA position 1281, C replaced by T.
Protein change: p.Val427=; no amino-acid change (valine 427 retained).
Molecular consequence: synonymous variant.
Genome position (GRCh38, 1-based): chr3:47,846,353, C>T. VCF-style: chr3-47846353-C-T. GRCh37 (hg19) VCF-style: chr3-47887843-C-T.
Other names: c.1197C>T, p.Val399= (NM_001330990.2); c.1164C>T, p.Val388= (NM_014966.4).
Identifiers: ClinVar variation 4681989 (VCV004681989.5).

ClinVar aggregate classification (germline): Likely benign (1 of 4 stars; one submission).

Submission:

CeGaT Center for Human Genetics Tuebingen
Classification: Likely benign. Last evaluated: 2025-12-01. Review status: criteria provided, single submitter. Criteria: CeGaT Center For Human Genetics Tuebingen Variant Classification Criteria Version 2. Collection method: clinical testing. Allele origin: germline. Affected: yes. Observed: 1 variant allele.
Comment: DHX30: PM2:Supporting, BP4, BP7